The following is an entry in ClinVar:

NM_012472.6(DNAAF11):c.595G>A (p.Asp199Asn)

Gene: DNAAF11 (dynein axonemal assembly factor 11; minus strand). Cytogenetic location: 8q24.22.
Variant type: single nucleotide variant.
Coding change: c.595G>A on transcript NM_012472.6 (MANE Select); coding-DNA position 595, G replaced by A.
Protein change: p.Asp199Asn; replaces aspartic acid 199 with asparagine.
Molecular consequence: missense variant. On other transcripts: non-coding transcript variant (1).
Genome position (GRCh38, 1-based): chr8:132,632,798, C>T on the plus strand (G>A on the coding strand, the complement: DNAAF11 is on the minus strand). VCF-style: chr8-132632798-C-T. GRCh37 (hg19) VCF-style: chr8-133645044-C-T.
Other names: c.595G>A, p.Asp199Asn (NM_001321961.2); c.349G>A, p.Asp117Asn (NM_001321962.2); c.235G>A, p.Asp79Asn (NM_001321963.2, NM_001321964.2, NM_001321965.2 and 1 more transcripts); c.595G>A (NM_012472.3); short protein forms D117N, D199N, D79N.
Identifiers: ClinVar variation 1681042 (VCV001681042.6), dbSNP rs1003794367, ClinGen allele CA186274927.

ClinVar aggregate classification (germline): Uncertain significance. Review status: criteria provided, multiple submitters, no conflicts (2 of 4 stars). 2 submissions from 2 submitters: Uncertain significance (2). Last evaluated 2025-11-03.

Conditions:
Primary ciliary dyskinesia. Also called: Ciliary dyskinesia. Identifiers: Orphanet 244, MedGen C0008780, MONDO:0016575, HP:0012265.
Primary ciliary dyskinesia 19. Also called: CILIARY DYSKINESIA, PRIMARY, 19, WITH OR WITHOUT SITUS INVERSUS. Identifiers: Orphanet 244, MedGen C3543826, MONDO:0013979, OMIM 614935.

Allele frequency attached by ClinVar (database versions not stated): gnomAD 0.00001; gnomAD exomes 0.00001; TOPMed 0.00002.
gnomAD v4.1: 11 of 1,613,954 alleles (0.00068%); highest among the groups gnomAD compares: East Asian, 0.0089%; no homozygotes.

Submissions (2):

Ambry Genetics
Classification: Uncertain significance for Primary ciliary dyskinesia. Last evaluated: 2025-11-03. Review status: criteria provided, single submitter. Criteria: Ambry Variant Classification Scheme 2023. Collection method: clinical testing. Allele origin: germline.

Labcorp Genetics (formerly Invitae), Labcorp
Classification: Uncertain significance for Primary ciliary dyskinesia 19. Last evaluated: 2022-07-26. Review status: criteria provided, single submitter. Criteria: Invitae Variant Classification Sherloc (09022015). Collection method: clinical testing. Allele origin: germline.
Comment: This variant is present in population databases (no rsID available, gnomAD 0.006%). This variant has not been reported in the literature in individuals affected with LRRC6-related conditions. ClinVar contains an entry for this variant (Variation ID: 1681042). Algorithms developed to predict the effect of missense changes on protein structure and function (SIFT, PolyPhen-2, Align-GVGD) all suggest that this variant is likely to be tolerated. In summary, the available evidence is currently insufficient to determine the role of this variant in disease. Therefore, it has been classified as a Variant of Uncertain Significance. This sequence change replaces aspartic acid, which is acidic and polar, with asparagine, which is neutral and polar, at codon 199 of the LRRC6 protein (p.Asp199Asn).